The following is an entry in ClinVar:

ClinVar aggregate classification (germline): Uncertain significance. Review status: criteria provided, multiple submitters, no conflicts (2 of 4 stars). 2 submissions from 2 submitters: Uncertain significance (2). Last evaluated 2025-02-26.

Conditions:
Hereditary cancer-predisposing syndrome. Also called: Hereditary neoplastic syndrome; Tumor predisposition; Neoplastic Syndromes, Hereditary; Hereditary Cancer Syndrome. Identifiers: Orphanet 140162, MedGen C0027672, MeSH D009386, MONDO:0015356.

Allele frequency attached by ClinVar (database versions not stated): gnomAD exomes below 0.00001.
gnomAD v4.1: 1 of 1,614,080 alleles (0.000062%); highest among the groups gnomAD compares: Non-Finnish European, 0.000085%; no homozygotes.

Submissions (2):

Ambry Genetics
Classification: Uncertain significance for Hereditary cancer-predisposing syndrome. Last evaluated: 2025-02-26. Review status: criteria provided, single submitter. Criteria: Ambry Variant Classification Scheme 2023. Collection method: clinical testing. Allele origin: germline.
Comment: The p.E1399K variant (also known as c.4195G>A), located in coding exon 33 of the POLE gene, results from a G to A substitution at nucleotide position 4195. The glutamic acid at codon 1399 is replaced by lysine, an amino acid with similar properties. This amino acid position is conserved. In addition, the in silico prediction for this alteration is inconclusive. Based on the available evidence, the clinical significance of this variant remains unclear.

Labcorp Genetics (formerly Invitae), Labcorp
Classification: Uncertain significance. Last evaluated: 2024-09-01. Review status: criteria provided, single submitter. Criteria: Invitae Variant Classification Sherloc (09022015). Collection method: clinical testing. Allele origin: germline.
Comment: This sequence change replaces glutamic acid, which is acidic and polar, with lysine, which is basic and polar, at codon 1399 of the POLE protein (p.Glu1399Lys). This variant is not present in population databases (gnomAD no frequency). This variant has not been reported in the literature in individuals affected with POLE-related conditions. ClinVar contains an entry for this variant (Variation ID: 571674). Invitae Evidence Modeling of protein sequence and biophysical properties (such as structural, functional, and spatial information, amino acid conservation, physicochemical variation, residue mobility, and thermodynamic stability) indicates that this missense variant is not expected to disrupt POLE protein function with a negative predictive value of 80%. In summary, the available evidence is currently insufficient to determine the role of this variant in disease. Therefore, it has been classified as a Variant of Uncertain Significance.

NM_006231.4(POLE):c.4195G>A (p.Glu1399Lys)

Gene: POLE (DNA polymerase epsilon, catalytic subunit; minus strand). Cytogenetic location: 12q24.33.
Variant type: single nucleotide variant.
Coding change: c.4195G>A on transcript NM_006231.4 (MANE Select); coding-DNA position 4195, G replaced by A.
Protein change: p.Glu1399Lys; replaces glutamic acid 1399 with lysine.
Molecular consequence: missense variant.
Genome position (GRCh38, 1-based): chr12:132,643,932, C>T on the plus strand (G>A on the coding strand, the complement: POLE is on the minus strand). VCF-style: chr12-132643932-C-T. GRCh37 (hg19) VCF-style: chr12-133220518-C-T.
Other names: short protein forms E1399K.
Identifiers: ClinVar variation 571674 (VCV000571674.12), dbSNP rs5744935, ClinGen allele CA387382330.
Genomic context (GRCh38, chr12:132,643,932, plus strand): 5'-ACAGCTCAGCGTTGATCTCGTTGATGTGTTCCTGGTACATGTCCTCTGGCACTGAATACT[C>T]ATAGAGATTGTAGACCATGTTGGAGCGAGGAAGGACCCGATTTACCTGGCGAGAATACGA-3'
Protein context (NP_006222.2, residues 1389-1409): PRSNMVYNLY[Glu1399Lys]YSVPEDMYQE